The following is an entry in ClinVar:

ClinVar aggregate classification (germline): Uncertain significance (0 of 4 stars; one submission).

Conditions:
ROBO2-related disorder. Also called: ROBO2-related condition.

gnomAD v4.1: 1 of 1,612,974 alleles (0.000062%); highest among the groups gnomAD compares: Non-Finnish European, 0.000085%; no homozygotes.

Submission:

PreventionGenetics, part of Exact Sciences
Classification: Uncertain significance for ROBO2-related condition. Last evaluated: 2024-04-24. Review status: no assertion criteria provided. Collection method: clinical testing. Allele origin: germline.
Comment: The ROBO2 c.1230A>C variant is predicted to result in the amino acid substitution p.Leu410Phe. To our knowledge, this variant has not been reported in the literature or in a large population database, indicating this variant is rare. At this time, the clinical significance of this variant is uncertain due to the absence of conclusive functional and genetic evidence.

NM_001395656.1(ROBO2):c.1194A>C (p.Leu398Phe)

Gene: ROBO2 (roundabout guidance receptor 2; plus strand). Cytogenetic location: 3p12.3.
Variant type: single nucleotide variant.
Coding change: c.1194A>C on transcript NM_001395656.1 (MANE Select); coding-DNA position 1194, A replaced by C.
Protein change: p.Leu398Phe; replaces leucine 398 with phenylalanine.
Molecular consequence: missense variant. On other transcripts: 5 prime UTR variant (1).
Genome position (GRCh38, 1-based): chr3:77,550,940, A>C. VCF-style: chr3-77550940-A-C. GRCh37 (hg19) VCF-style: chr3-77600091-A-C.
Other names: c.1230A>C, p.Leu410Phe (NM_001128929.3); c.1194A>C, p.Leu398Phe (NM_001290039.2, NM_001290040.2, NM_001378202.1); c.-737A>C (NM_001290065.2); c.1242A>C, p.Leu414Phe (NM_001378190.1, NM_001378191.1, NM_001378195.1 and 4 more transcripts); c.1263A>C, p.Leu421Phe (NM_001378192.1, NM_001378194.1, NM_001378198.1 and 2 more transcripts); c.1182A>C, p.Leu394Phe (NM_001378193.1, NM_001378197.1, NM_002942.5); c.1251A>C, p.Leu417Phe (NM_001394212.1, NM_001394214.1, NM_001395657.1); short protein forms L394F, L398F, L410F, L414F, L417F, L421F.
Identifiers: ClinVar variation 3347868 (VCV003347868.1).
Genomic context (GRCh38, chr3:77,550,940, plus strand): 5'-AGACCTCACAATCACCAACATTCAACGTTCCGACGCGGGTTACTACATCTGCCAGGCTTT[A>C]ACTGTGGCAGGAAGCATTTTAGCAAAAGCTCAACTGGAGGTTACTGATGGTGCGATATCT-3'
Protein context (NP_001382585.1, residues 388-408): SDAGYYICQA[Leu398Phe]TVAGSILAKA